The following is an entry in ClinVar:

ClinVar aggregate classification (germline): Likely benign (0 of 4 stars; one submission).

Conditions:
KLHL3-related disorder. Also called: KLHL3-related condition.

Allele frequency attached by ClinVar (database versions not stated): gnomAD 0.00001; gnomAD exomes 0.00001; ExAC 0.00002; TOPMed 0.00002; ESP Exome Variant Server 0.00008.
gnomAD v4.1: 23 of 1,614,056 alleles (0.0014%); highest among the groups gnomAD compares: East Asian, 0.0022%; no homozygotes.

Submission:

PreventionGenetics, part of Exact Sciences
Classification: Likely benign for KLHL3-related condition. Last evaluated: 2019-05-02. Review status: no assertion criteria provided. Collection method: clinical testing. Allele origin: germline.
Comment: This variant is classified as likely benign based on ACMG/AMP sequence variant interpretation guidelines (Richards et al. 2015 PMID: 25741868, with internal and published modifications).

NM_017415.3(KLHL3):c.1446C>T (p.Gly482=)

Gene: KLHL3 (kelch like family member 3; minus strand). Cytogenetic location: 5q31.2.
Variant type: single nucleotide variant.
Coding change: c.1446C>T on transcript NM_017415.3 (MANE Select); coding-DNA position 1446, C replaced by T.
Protein change: p.Gly482=; no amino-acid change (glycine 482 retained).
Molecular consequence: synonymous variant.
Genome position (GRCh38, 1-based): chr5:137,634,041, G>A on the plus strand (C>T on the coding strand, the complement: KLHL3 is on the minus strand). VCF-style: chr5-137634041-G-A. GRCh37 (hg19) VCF-style: chr5-136969730-G-A.
Other names: c.1350C>T, p.Gly450= (NM_001257194.1); c.1200C>T, p.Gly400= (NM_001257195.2).
Identifiers: ClinVar variation 3037901 (VCV003037901.2), dbSNP rs370002026, ClinGen allele CA3422205.
Genomic context (GRCh38, chr5:137,634,041, plus strand): 5'-AAGGACCCACTTGTGAGCAAATCAGACACAGCCAGCACCCCGAGGTTCTCCCATACCTGC[G>A]CCACTGCGGCGGGTGCTCATGTCCGCCACGTATATCCATTCATTGGTCGCTGGGTTGTAC-3'
Protein context (NP_059111.2, residues 472-492): YVADMSTRRS[Gly482=]AGVGVLSGQL